The following is an entry in ClinVar:

NM_017950.4(CCDC40):c.940-1G>C

Gene: CCDC40 (coiled-coil domain 40 molecular ruler complex subunit; plus strand). Cytogenetic location: 17q25.3.
Variant type: single nucleotide variant.
Coding change: c.940-1G>C on transcript NM_017950.4 (MANE Select); the canonical splice acceptor site of the intron before coding-DNA position 940, G replaced by C.
Molecular consequence: splice acceptor variant.
Genome position (GRCh38, 1-based): chr17:80,050,063, G>C. VCF-style: chr17-80050063-G-C. GRCh37 (hg19) VCF-style: chr17-78023862-G-C.
Other names: c.940-1G>C (NM_001243342.2, NM_001330508.2).
Identifiers: ClinVar variation 851615 (VCV000851615.13), dbSNP rs2037540861, ClinGen allele CA401354957.
Genomic context (GRCh38, chr17:80,050,063, plus strand): 5'-CAGTCTCCCACCCTGGTCGGATGCCTGCGTCCTGGTGACCCTGTTTCTCTCTTTGGTCCA[G>C]GTTGTGGCTACCAAGCAGAGCCGAGCCCAGCGGCAGGAGCTGGGGGTGAATCTCTATGAG-3'

ClinVar aggregate classification (germline): Pathogenic/Likely pathogenic. Review status: criteria provided, multiple submitters, no conflicts (2 of 4 stars). 5 submissions from 5 submitters: Pathogenic (2); Likely pathogenic (3). Last evaluated 2023-08-10.

Conditions:
CCDC40-related disorder. Also called: CCDC40-related condition.
Primary ciliary dyskinesia. Also called: Ciliary dyskinesia. Identifiers: Orphanet 244, MedGen C0008780, MONDO:0016575, HP:0012265.
Primary ciliary dyskinesia 15. Also called: CILIARY DYSKINESIA, PRIMARY, 15, WITH OR WITHOUT SITUS INVERSUS. Identifiers: Orphanet 244, MedGen C3151137, MONDO:0013435, OMIM 613808.

Allele frequency attached by ClinVar (database versions not stated): gnomAD exomes below 0.00001.
gnomAD v4.1: 4 of 1,614,024 alleles (0.00025%); highest among the groups gnomAD compares: Middle Eastern, 0.017%; no homozygotes.

Submissions (5):

Department of Human Genetics, Hannover Medical School
Classification: Pathogenic for Primary ciliary dyskinesia 15. Last evaluated: 2023-08-10. Review status: criteria provided, single submitter. Criteria: ACMG Guidelines, 2015. Collection method: clinical testing. Allele origin: germline. Inheritance: Autosomal recessive inheritance. Affected: yes.

Clinical Genetics Laboratory, Skane University Hospital Lund
Classification: Likely pathogenic. Last evaluated: 2022-07-13. Review status: criteria provided, single submitter. Criteria: ACMG Guidelines, 2015. Collection method: clinical testing. Allele origin: germline. Affected: yes.

Blueprint Genetics
Classification: Likely pathogenic for CCDC40-related disorders. Last evaluated: 2021-03-19. Review status: criteria provided, single submitter. Criteria: ACMG Guidelines, 2015. Collection method: clinical testing. Allele origin: germline. Affected: yes. Observed: 2 variant alleles.

Labcorp Genetics (formerly Invitae), Labcorp
Classification: Pathogenic for Primary ciliary dyskinesia. Last evaluated: 2019-08-23. Review status: criteria provided, single submitter. Criteria: Invitae Variant Classification Sherloc (09022015). Collection method: clinical testing. Allele origin: germline.
Comment: This sequence change affects an acceptor splice site in intron 6 of the CCDC40 gene. It is expected to disrupt RNA splicing and likely results in an absent or disrupted protein product. This variant is not present in population databases (ExAC no frequency). Disruption of this splice site has been observed in combination with another CCDC40 variant in individuals affected with primary ciliary dyskinesia (Invitae). Algorithms developed to predict the effect of sequence changes on RNA splicing suggest that this variant may disrupt the consensus splice site, but this prediction has not been confirmed by published transcriptional studies. Donor and acceptor splice site variants typically lead to a loss of protein function (PMID: 16199547), and loss-of-function variants in CCDC40 are known to be pathogenic (PMID: 21131974, 22693285, 23255504). For these reasons, this variant has been classified as Pathogenic.

Ambry Genetics
Classification: Likely pathogenic for Primary ciliary dyskinesia. Last evaluated: 2019-07-19. Review status: criteria provided, single submitter. Criteria: Ambry Variant Classification Scheme 2023. Collection method: clinical testing. Allele origin: germline.
Comment: The c.940-1G>C intronic variant results from a G to C substitution one nucleotide upstream from coding exon 7 of the CCDC40 gene. This nucleotide position is highly conserved in available vertebrate species. Using the BDGP and ESEfinder splice site prediction tools, this alteration is predicted to abolish the native splice acceptor site; however, direct evidence is unavailable. Alterations that disrupt the canonical splice site are expected to cause aberrant splicing, resulting in an abnormal protein or a transcript that is subject to nonsense-mediated mRNA decay. As such, this alteration is classified as likely pathogenic.

Literature cited by the submitters: PubMed 16199547 (cited by Labcorp Genetics (formerly Invitae), Labcorp); PubMed 21131974 (cited by Labcorp Genetics (formerly Invitae), Labcorp); PubMed 22693285 (cited by Labcorp Genetics (formerly Invitae), Labcorp); PubMed 23255504 (cited by Labcorp Genetics (formerly Invitae), Labcorp).